The following is an entry in ClinVar:

NM_001927.4(DES):c.391C>A (p.Gln131Lys)

Gene: DES (desmin; plus strand). Cytogenetic location: 2q35.
Variant type: single nucleotide variant.
Coding change: c.391C>A on transcript NM_001927.4 (MANE Select); coding-DNA position 391, C replaced by A.
Protein change: p.Gln131Lys; replaces glutamine 131 with lysine.
Molecular consequence: missense variant.
Genome position (GRCh38, 1-based): chr2:219,418,853, C>A. VCF-style: chr2-219418853-C-A. GRCh37 (hg19) VCF-style: chr2-220283575-C-A.
Other names: c.391C>A (LRG_380t1); short protein forms Q131K.
Identifiers: ClinVar variation 411147 (VCV000411147.16), dbSNP rs771499260, ClinGen allele CA2125062.
Genomic context (GRCh38, chr2:219,418,853, plus strand): 5'-GAGCTGCAGGAGCTCAATGACCGCTTCGCCAACTACATCGAGAAGGTGCGCTTCCTGGAG[C>A]AGCAGAACGCGGCGCTCGCCGCCGAAGTGAACCGGCTCAAGGGCCGCGAGCCGACGCGAG-3'
Protein context (NP_001918.3, residues 121-141): NYIEKVRFLE[Gln131Lys]QNAALAAEVN

ClinVar aggregate classification (germline): Uncertain significance. Review status: criteria provided, multiple submitters, no conflicts (2 of 4 stars). 6 submissions from 6 submitters: Uncertain significance (6). Last evaluated 2025-12-26.

Conditions:
DES-related disorder. Also called: DES-related condition.
Cardiovascular phenotype. Identifiers: MedGen CN230736.
Desmin-related myofibrillar myopathy (MFM1). Also called: Desmin related myopathy (former name); Desmin storage myopathy (former name); Desminopathy; Myofibrillar myopathy 1; MYOFIBRILLAR MYOPATHY WITH ARRHYTHMOGENIC RIGHT VENTRICULAR CARDIOMYOPATHY; DESMIN-RELATED MYOPATHY WITH ARRHYTHMOGENIC RIGHT VENTRICULAR CARDIOMYOPATHY. Identifiers: Orphanet 363543, Orphanet 98909, MedGen C1832370, MONDO:0011076, OMIM 601419.
Dilated cardiomyopathy 1I (CMD1I). Identifiers: Orphanet 154, MedGen C1858154, MONDO:0011482, OMIM 604765.
Neurogenic scapuloperoneal syndrome, Kaeser type (SCPNK). Also called: KAESER SYNDROME. Identifiers: Orphanet 85146, MedGen C1867005, MONDO:0008407, OMIM 181400.

Allele frequency attached by ClinVar (database versions not stated): gnomAD exomes 0.00002; gnomAD 0.00003; TOPMed 0.00004; ExAC 0.00007.
gnomAD v4.1: 42 of 1,580,578 alleles (0.0027%); highest among the groups gnomAD compares: Non-Finnish European, 0.0034%; no homozygotes.

Submissions (6):

PreventionGenetics, part of Exact Sciences
Classification: Uncertain significance for DES-related condition. Last evaluated: 2025-12-26. Review status: criteria provided, single submitter. Criteria: ACMG Guidelines, 2015. Collection method: clinical testing. Allele origin: germline.
Comment: The DES c.391C>A variant is predicted to result in the amino acid substitution p.Gln131Lys. This variant has been reported in a cohort study of individuals with hypertrophic cardiomyopathy (Table S13, Thomson et al. 2018. PubMed ID: 30531895). This variant is reported in 0.0036% of alleles in individuals of European (Non-Finnish) descent in gnomAD. At this time, the clinical significance of this variant is uncertain due to the absence of conclusive functional and genetic evidence.

Labcorp Genetics (formerly Invitae), Labcorp
Classification: Uncertain significance for Desmin-related myofibrillar myopathy. Last evaluated: 2025-12-08. Review status: criteria provided, single submitter. Criteria: Invitae Variant Classification Sherloc (09022015). Collection method: clinical testing. Allele origin: germline.
Comment: This sequence change replaces glutamine, which is neutral and polar, with lysine, which is basic and polar, at codon 131 of the DES protein (p.Gln131Lys). The frequency data for this variant in the population databases is considered unreliable, as metrics indicate poor data quality at this position in the gnomAD database. This missense change has been observed in individual(s) with clinical features of DES-related conditions (internal data). ClinVar contains an entry for this variant (Variation ID: 411147). Invitae Evidence Modeling of protein sequence and biophysical properties (such as structural, functional, and spatial information, amino acid conservation, physicochemical variation, residue mobility, and thermodynamic stability) has been performed for this missense variant. However, the output from this modeling did not meet the statistical confidence thresholds required to predict the impact of this variant on DES protein function. Experimental studies have shown that this missense change does not substantially affect DES function (PMID: 36497166). In summary, the available evidence is currently insufficient to determine the role of this variant in disease. Therefore, it has been classified as a Variant of Uncertain Significance.

Ambry Genetics
Classification: Uncertain significance for Cardiovascular phenotype. Last evaluated: 2025-03-31. Review status: criteria provided, single submitter. Criteria: Ambry Variant Classification Scheme 2023. Collection method: clinical testing. Allele origin: germline.
Comment: The p.Q131K variant (also known as c.391C>A), located in coding exon 1 of the DES gene, results from a C to A substitution at nucleotide position 391. The glutamine at codon 131 is replaced by lysine, an amino acid with similar properties. This variant has been detected in a hypertrophic cardiomyopathy cohort (Thomson KL et al. Genet Med, 2019 Jul;21:1576-1584). Functional studies from one group indicate this variant may not adversely impact filament formation in vitro (Brodehl A et al. Cells, 2022 Dec;11). This amino acid position is highly conserved in available vertebrate species. In addition, this alteration is predicted to be deleterious by in silico analysis. Since supporting evidence is limited at this time, the clinical significance of this alteration remains unclear.

Fulgent Genetics
Classification: Uncertain significance for Neurogenic scapuloperoneal syndrome, Kaeser type; Desmin-related myofibrillar myopathy; Dilated cardiomyopathy 1I. Last evaluated: 2021-07-30. Review status: criteria provided, single submitter. Criteria: ACMG Guidelines, 2015. Collection method: clinical testing. Allele origin: unknown.

Revvity Omics, Revvity
Classification: Uncertain significance. Last evaluated: 2019-12-02. Review status: criteria provided, single submitter. Criteria: ACMG Guidelines, 2015. Collection method: clinical testing. Allele origin: germline.

GeneDx
Classification: Uncertain significance. Last evaluated: 2016-11-11. Review status: criteria provided, single submitter. Criteria: GeneDx Variant Classification (06012015). Collection method: clinical testing. Allele origin: germline. Affected: yes.
Comment: The Q131K variant has not been published as a pathogenic variant, nor has it been reported as a benign variant to our knowledge. It was not observed in approximately 6,500 individuals of European and African American ancestry in the NHLBI Exome Sequencing Project, indicating it is not a common benign variant in these populations. The Q131K variant is a semi-conservative amino acid substitution, which may impact secondary protein structure as these residues differ in some properties. This substitution occurs at a position that is conserved across species, and missense variants in nearby residues (R127P; L136P) have been reported in the Human Gene Mutation Database in association with cardiomyoapthy (Stenson et al., 2014). In silico analysis predicts this variant is probably damaging to the protein structure/function.

Literature cited by the submitters: PubMed 36497166 (cited by Labcorp Genetics (formerly Invitae), Labcorp and Ambry Genetics); PubMed 30531895 (cited by Ambry Genetics).